The following is an entry in ClinVar:

ClinVar aggregate classification (germline): Uncertain significance (1 of 4 stars; one submission).

Conditions:
Neuropathy, hereditary sensory and autonomic, type 2A (HSAN2A). Also called: ACROOSTEOLYSIS, GIACCAI TYPE; ACROOSTEOLYSIS, NEUROGENIC; WNK1-Related HSAN2 (HSAN2A); NEUROPATHY, HEREDITARY SENSORY RADICULAR, AUTOSOMAL RECESSIVE; MORVAN DISEASE; NEUROPATHY, CONGENITAL SENSORY. Identifiers: Orphanet 970, MedGen C2752089, MONDO:0024309, OMIM 201300.
Generalized epilepsy with febrile seizures plus, type 7 (GEFSP7). Also called: GEFS+, TYPE 7. Identifiers: Orphanet 36387, MedGen C2751778, MONDO:0013470, OMIM 613863.

Submission:

Labcorp Genetics (formerly Invitae), Labcorp
Classification: Uncertain significance for Neuropathy, hereditary sensory and autonomic, type 2A; Generalized epilepsy with febrile seizures plus, type 7. Last evaluated: 2025-10-11. Review status: criteria provided, single submitter. Criteria: Invitae Variant Classification Sherloc (09022015). Collection method: clinical testing. Allele origin: germline.
Comment: This sequence change replaces isoleucine, which is neutral and non-polar, with serine, which is neutral and polar, at codon 1213 of the SCN9A protein (p.Ile1213Ser). This variant is not present in population databases (gnomAD no frequency). This variant has not been reported in the literature in individuals affected with SCN9A-related conditions. Invitae Evidence Modeling of protein sequence and biophysical properties (such as structural, functional, and spatial information, amino acid conservation, physicochemical variation, residue mobility, and thermodynamic stability) indicates that this missense variant is not expected to disrupt SCN9A protein function with a negative predictive value of 95%. In summary, the available evidence is currently insufficient to determine the role of this variant in disease. Therefore, it has been classified as a Variant of Uncertain Significance.

NM_001365536.1(SCN9A):c.3671T>G (p.Ile1224Ser)

Genes: SCN9A (sodium voltage-gated channel alpha subunit 9; minus strand), SCN1A-AS1 (SCN1A and SCN9A antisense RNA 1; plus strand). Cytogenetic location: 2q24.3.
Variant type: single nucleotide variant.
Coding change: c.3671T>G on transcript NM_001365536.1 (MANE Select); coding-DNA position 3671, T replaced by G.
Protein change: p.Ile1224Ser; replaces isoleucine 1224 with serine.
Molecular consequence: missense variant.
Genome position (GRCh38, 1-based): chr2:166,238,224, A>C on the plus strand (T>G on the coding strand, the complement: SCN9A is on the minus strand). VCF-style: chr2-166238224-A-C. GRCh37 (hg19) VCF-style: chr2-167094734-A-C.
Other names: c.3638T>G, p.Ile1213Ser (NM_002977.4); short protein forms I1224S, I1213S.
Identifiers: ClinVar variation 4783138 (VCV004783138.1).